The following is an entry in ClinVar:

NM_000489.6(ATRX):c.1594C>G (p.Leu532Val)

Gene: ATRX (ATRX chromatin remodeler; minus strand). Cytogenetic location: Xq21.1.
Variant type: single nucleotide variant.
Coding change: c.1594C>G on transcript NM_000489.6 (MANE Select); coding-DNA position 1594, C replaced by G.
Protein change: p.Leu532Val; replaces leucine 532 with valine.
Molecular consequence: missense variant.
Genome position (GRCh38, 1-based): chrX:77,683,662, G>C on the plus strand (C>G on the coding strand, the complement: ATRX is on the minus strand). VCF-style: chrX-77683662-G-C. GRCh37 (hg19) VCF-style: chrX-76939154-G-C.
Other names: c.1480C>G, p.Leu494Val (NM_138270.5); short protein forms L494V, L532V.
Identifiers: ClinVar variation 3061427 (VCV003061427.2), dbSNP rs1557141266, ClinGen allele CA413717237.
Genomic context (GRCh38, chrX:77,683,662, plus strand): 5'-TTCCACTGCTGCCATCCCCTTGATGATCAACTGAACTCTGAACTTCCATAGCAGTCTCAA[G>C]ATTCTCAAAAATGTCTTCTGGAACTGAGGAAGGAACAGACACAATATCCATGTCTAAATC-3'
Protein context (NP_000480.3, residues 522-542): SSVPEDIFEN[Leu532Val]ETAMEVQSSV

ClinVar aggregate classification (germline): Uncertain significance (0 of 4 stars; one submission).

Conditions:
ATRX-related disorder. Also called: ATRX-related condition.

Allele frequency attached by ClinVar (database versions not stated): gnomAD exomes 0.00001.

Submission:

PreventionGenetics, part of Exact Sciences
Classification: Uncertain significance for ATRX-related condition. Last evaluated: 2024-02-29. Review status: no assertion criteria provided. Collection method: clinical testing. Allele origin: germline.
Comment: The ATRX c.1594C>G variant is predicted to result in the amino acid substitution p.Leu532Val. To our knowledge, this variant has not been reported in the literature. This variant is reported in 0.0036% of alleles in individuals of Latino descent in gnomAD. At this time, the clinical significance of this variant is uncertain due to the absence of conclusive functional and genetic evidence.